The following is an entry in ClinVar:

NM_000408.5(GPD2):c.672C>G (p.Asn224Lys)

Gene: GPD2 (glycerol-3-phosphate dehydrogenase 2; plus strand). Cytogenetic location: 2q24.1.
Variant type: single nucleotide variant.
Coding change: c.672C>G on transcript NM_000408.5 (MANE Select); coding-DNA position 672, C replaced by G.
Protein change: p.Asn224Lys; replaces asparagine 224 with lysine.
Molecular consequence: missense variant.
Genome position (GRCh38, 1-based): chr2:156,549,618, C>G. VCF-style: chr2-156549618-C-G. GRCh37 (hg19) VCF-style: chr2-157406130-C-G.
Other names: c.672C>G, p.Asn224Lys (NM_001083112.3); short protein forms N224K.
Identifiers: ClinVar variation 2268852 (VCV002268852.4), dbSNP rs201094855, ClinGen allele CA1916762.

ClinVar aggregate classification (germline): Uncertain significance. Review status: criteria provided, multiple submitters, no conflicts (2 of 4 stars). 2 submissions from 2 submitters: Uncertain significance (2). Last evaluated 2025-07-03.

Conditions:
Type 2 diabetes mellitus. Also called: Type II diabetes mellitus. Identifiers: MedGen C0011860, MeSH D003924, MONDO:0005148, OMIM 125853, HP:0005978.

Allele frequency attached by ClinVar (database versions not stated): 1000 Genomes Project 30x 0.00016.
gnomAD v4.1: 6 of 1,613,960 alleles (0.00037%); highest among the groups gnomAD compares: Admixed American, 0.005%; no homozygotes.

Submissions (2):

Dasa
Classification: Uncertain significance for type 2 diabetes mellitus. Last evaluated: 2025-07-03. Review status: criteria provided, single submitter. Criteria: DASA Assertion Criteria. Collection method: clinical testing. Allele origin: germline.
Comment: NM_000408.5(GPD2):c.672C>G (p.Asn224Lys) is a missense variant that results in the substitution of asparagine with lysine. This variant is rare in population databases. Computational prediction algorithms are consistent with a deleterious effect. The currently available literature and clinical evidence are not sufficient to establish a definitive association between this variant and the reported condition. Therefore, this variant is classified as a variant of uncertain significance.

Ambry Genetics
Classification: Uncertain significance. Last evaluated: 2022-01-03. Review status: criteria provided, single submitter. Criteria: Ambry Variant Classification Scheme 2023. Collection method: clinical testing. Allele origin: germline.